The following is an entry in ClinVar:

ClinVar aggregate classification (germline): Uncertain significance. Review status: criteria provided, multiple submitters, no conflicts (2 of 4 stars). 2 submissions from 2 submitters: Uncertain significance (2). Last evaluated 2022-10-13.

Conditions:
Autosomal dominant nonsyndromic hearing loss 11. Identifiers: Orphanet 90635, MedGen C1832475, MONDO:0011032, OMIM 601317.
Usher syndrome type 1 (USH1). Also called: RETINITIS PIGMENTOSA AND CONGENITAL DEAFNESS. Identifiers: Orphanet 231169, Orphanet 886, MedGen C1568247, MONDO:0010168, OMIM 276900.
Autosomal recessive nonsyndromic hearing loss 2. Also called: DEAFNESS, AUTOSOMAL RECESSIVE 2; NEUROSENSORY NONSYNDROMIC RECESSIVE DEAFNESS 2. Identifiers: Orphanet 90636, MedGen C1838701, MONDO:0010807, OMIM 600060.

Submissions (2):

Labcorp Genetics (formerly Invitae), Labcorp
Classification: Uncertain significance. Last evaluated: 2022-10-13. Review status: criteria provided, single submitter. Criteria: Invitae Variant Classification Sherloc (09022015). Collection method: clinical testing. Allele origin: germline.
Comment: In summary, the available evidence is currently insufficient to determine the role of this variant in disease. Therefore, it has been classified as a Variant of Uncertain Significance. Advanced modeling of protein sequence and biophysical properties (such as structural, functional, and spatial information, amino acid conservation, physicochemical variation, residue mobility, and thermodynamic stability) performed at Invitae indicates that this missense variant is expected to disrupt MYO7A protein function. ClinVar contains an entry for this variant (Variation ID: 1011834). This variant has not been reported in the literature in individuals affected with MYO7A-related conditions. This variant is not present in population databases (gnomAD no frequency). This sequence change replaces aspartic acid, which is acidic and polar, with glycine, which is neutral and non-polar, at codon 1321 of the MYO7A protein (p.Asp1321Gly).

Juno Genomics, Hangzhou Juno Genomics, Inc
Classification: Uncertain significance for Autosomal dominant nonsyndromic hearing loss 11; Autosomal recessive nonsyndromic hearing loss 2; Usher syndrome type 1. Review status: criteria provided, single submitter. Criteria: ACMG Guidelines, 2015. Collection method: clinical testing. Allele origin: germline. Affected: yes.
Comment: Absent from controls (or at extremely low frequency if recessive) in Genome Aggregation Database.;Multiple lines of computational evidence support a deleterious effect on the gene or gene product.;For recessive disorders, detected in trans with a pathogenic variant.

NM_000260.4(MYO7A):c.3962A>G (p.Asp1321Gly)

Gene: MYO7A (myosin VIIA; plus strand). Cytogenetic location: 11q13.5.
Variant type: single nucleotide variant.
Coding change: c.3962A>G on transcript NM_000260.4 (MANE Select); coding-DNA position 3962, A replaced by G.
Protein change: p.Asp1321Gly; replaces aspartic acid 1321 with glycine.
Molecular consequence: missense variant.
Genome position (GRCh38, 1-based): chr11:77,192,088, A>G. VCF-style: chr11-77192088-A-G. GRCh37 (hg19) VCF-style: chr11-76903133-A-G.
Other names: c.3962A>G, p.Asp1321Gly (NM_001127180.2); c.3929A>G, p.Asp1310Gly (NM_001369365.1); short protein forms D1310G, D1321G.
Identifiers: ClinVar variation 1011834 (VCV001011834.9), dbSNP rs1956127811, ClinGen allele CA381948520.